The following is an entry in ClinVar:

NM_001128.6(AP1G1):c.296T>C (p.Val99Ala)

Gene: AP1G1 (adaptor related protein complex 1 subunit gamma 1; minus strand). Cytogenetic location: 16q22.2.
Variant type: single nucleotide variant.
Coding change: c.296T>C on transcript NM_001128.6 (MANE Select); coding-DNA position 296, T replaced by C.
Protein change: p.Val99Ala; replaces valine 99 with alanine.
Molecular consequence: missense variant.
Genome position (GRCh38, 1-based): chr16:71,774,498, A>G on the plus strand (T>C on the coding strand, the complement: AP1G1 is on the minus strand). VCF-style: chr16-71774498-A-G. GRCh37 (hg19) VCF-style: chr16-71808401-A-G.
Other names: c.296T>C, p.Val99Ala (NM_001030007.2); short protein forms V99A.
Identifiers: ClinVar variation 2635228 (VCV002635228.1), dbSNP rs745889361, ClinGen allele CA8156592.

ClinVar aggregate classification (germline): Uncertain significance (1 of 4 stars; one submission).

Conditions:
AP1G1-related disorder. Also called: AP1G1-related condition.

Allele frequency attached by ClinVar (database versions not stated): ExAC 0.00001; gnomAD 0.00001; gnomAD exomes 0.00001; TOPMed 0.00001.
gnomAD v4.1: 14 of 1,603,314 alleles (0.00087%); highest among the groups gnomAD compares: Non-Finnish European, 0.001%; no homozygotes.

Submission:

PreventionGenetics, part of Exact Sciences
Classification: Uncertain significance for AP1G1-related condition. Last evaluated: 2022-11-10. Review status: criteria provided, single submitter. Criteria: ACMG Guidelines, 2015. Collection method: clinical testing. Allele origin: germline.
Comment: The AP1G1 c.296T>C variant is predicted to result in the amino acid substitution p.Val99Ala. To our knowledge, this variant has not been reported in the literature. This variant is reported in 0.0018% of alleles in individuals of European (Non-Finnish) descent in gnomAD. At this time, the clinical significance of this variant is uncertain due to the absence of conclusive functional and genetic evidence.